The following is an entry in ClinVar:

NM_021267.5(CERS1):c.586T>A (p.Phe196Ile)

Genes: CERS1 (ceramide synthase 1; minus strand), GDF1 (growth differentiation factor 1; minus strand). Cytogenetic location: 19p13.11.
Variant type: single nucleotide variant.
Coding change: c.586T>A on transcript NM_021267.5 (MANE Select); coding-DNA position 586, T replaced by A.
Protein change: p.Phe196Ile; replaces phenylalanine 196 with isoleucine.
Molecular consequence: missense variant. On other transcripts: 5 prime UTR variant (2).
Genome position (GRCh38, 1-based): chr19:18,884,091, A>T on the plus strand (T>A on the coding strand, the complement: CERS1 is on the minus strand). VCF-style: chr19-18884091-A-T. GRCh37 (hg19) VCF-style: chr19-18994900-A-T.
Other names: c.292T>A, p.Phe98Ile (NM_001290265.2, NM_001387442.1, NM_001387443.1 and 2 more transcripts); c.586T>A, p.Phe196Ile (NM_001387439.1, NM_001387440.1, NM_001387441.1 and 1 more transcripts); c.-317T>A (NM_001387438.1); c.-737T>A (NM_001492.6); short protein forms F196I, F98I.
Identifiers: ClinVar variation 2115426 (VCV002115426.4), dbSNP rs1184304135, ClinGen allele CA404866820.
Genomic context (GRCh38, chr19:18,884,091, plus strand): 5'-CTCCGCACTCTGTGTGGGCTGTGCCTCGGCCCCCTGCCACCCGATCCTGTCCTTACCGGA[A>T]GGCGTAGGAGGAGACGATGAGGATGAGAGTGACCACGTGGTGGAGCAGCATGACCACCGA-3'
Protein context (NP_067090.1, residues 186-206): TLILIVSSYA[Phe196Ile]RYHNVGILVL

ClinVar aggregate classification (germline): Uncertain significance (1 of 4 stars; one submission).

Conditions:
Progressive myoclonic epilepsy type 8. Identifiers: Orphanet 424027, MedGen C5190825, MONDO:0014545, OMIM 616230.

Allele frequency attached by ClinVar (database versions not stated): gnomAD 0.00001; TOPMed 0.00001.
gnomAD v4.1: 3 of 1,611,822 alleles (0.00019%); highest among the groups gnomAD compares: African/African-American, 0.004%; no homozygotes.

Submission:

Labcorp Genetics (formerly Invitae), Labcorp
Classification: Uncertain significance for Progressive myoclonic epilepsy type 8. Last evaluated: 2022-04-18. Review status: criteria provided, single submitter. Criteria: Invitae Variant Classification Sherloc (09022015). Collection method: clinical testing. Allele origin: germline.
Comment: Algorithms developed to predict the effect of missense changes on protein structure and function (SIFT, PolyPhen-2, Align-GVGD) all suggest that this variant is likely to be tolerated. This variant has not been reported in the literature in individuals affected with CERS1-related conditions. This variant is not present in population databases (gnomAD no frequency). This sequence change replaces phenylalanine, which is neutral and non-polar, with isoleucine, which is neutral and non-polar, at codon 196 of the CERS1 protein (p.Phe196Ile). In summary, the available evidence is currently insufficient to determine the role of this variant in disease. Therefore, it has been classified as a Variant of Uncertain Significance.